The following is an entry in ClinVar:

ClinVar aggregate classification (germline): Uncertain significance. Review status: criteria provided, multiple submitters, no conflicts (2 of 4 stars). 3 submissions from 3 submitters: Uncertain significance (3). Last evaluated 2025-02-18.

Conditions:
Inborn genetic diseases. Identifiers: MedGen C0950123, MeSH D030342.

Allele frequency attached by ClinVar (database versions not stated): ExAC 0.00002; TOPMed 0.00007; gnomAD 0.00009.
gnomAD v4.1: 43 of 1,613,776 alleles (0.0027%); highest among the groups gnomAD compares: Admixed American, 0.03%; no homozygotes.

Submissions (3):

Ambry Genetics
Classification: Uncertain significance for Inborn genetic diseases. Last evaluated: 2025-02-18. Review status: criteria provided, single submitter. Criteria: Ambry Variant Classification Scheme 2023. Collection method: clinical testing. Allele origin: germline.

Blueprint Genetics
Classification: Uncertain significance. Last evaluated: 2024-05-29. Review status: criteria provided, single submitter. Criteria: ACMG Guidelines, 2015. Collection method: clinical testing. Allele origin: germline.

Labcorp Genetics (formerly Invitae), Labcorp
Classification: Uncertain significance. Last evaluated: 2022-08-15. Review status: criteria provided, single submitter. Criteria: Invitae Variant Classification Sherloc (09022015). Collection method: clinical testing. Allele origin: germline.
Comment: This sequence change replaces proline, which is neutral and non-polar, with leucine, which is neutral and non-polar, at codon 573 of the COL9A1 protein (p.Pro573Leu). This variant is present in population databases (rs746183818, gnomAD 0.01%). This variant has not been reported in the literature in individuals affected with COL9A1-related conditions. ClinVar contains an entry for this variant (Variation ID: 1003004). Algorithms developed to predict the effect of missense changes on protein structure and function (SIFT, PolyPhen-2, Align-GVGD) all suggest that this variant is likely to be disruptive. In summary, the available evidence is currently insufficient to determine the role of this variant in disease. Therefore, it has been classified as a Variant of Uncertain Significance.

NM_001851.6(COL9A1):c.1718C>T (p.Pro573Leu)

Gene: COL9A1 (collagen type IX alpha 1 chain; minus strand). Cytogenetic location: 6q13.
Variant type: single nucleotide variant.
Coding change: c.1718C>T on transcript NM_001851.6 (MANE Select); coding-DNA position 1718, C replaced by T.
Protein change: p.Pro573Leu; replaces proline 573 with leucine.
Molecular consequence: missense variant. On other transcripts: non-coding transcript variant (1).
Genome position (GRCh38, 1-based): chr6:70,254,477, G>A on the plus strand (C>T on the coding strand, the complement: COL9A1 is on the minus strand). VCF-style: chr6-70254477-G-A. GRCh37 (hg19) VCF-style: chr6-70964180-G-A.
Other names: c.1019C>T, p.Pro340Leu (NM_001377289.1); c.989C>T, p.Pro330Leu (NM_001377290.1, NM_078485.4); c.1718C>T (NM_001851.4); short protein forms P330L, P340L, P573L.
Identifiers: ClinVar variation 1003004 (VCV001003004.10), dbSNP rs746183818, ClinGen allele CA3882062.